The following is an entry in ClinVar:

ClinVar aggregate classification (germline): Uncertain significance. Review status: criteria provided, multiple submitters, no conflicts (2 of 4 stars). 2 submissions from 2 submitters: Uncertain significance (2). Last evaluated 2025-12-08.

Conditions:
Arrhythmogenic right ventricular dysplasia 8 (ARVD8). Also called: Arrhythmogenic Right Ventricular Dysplasia/Cardiomyopathy 8; ARRHYTHMOGENIC RIGHT VENTRICULAR CARDIOMYOPATHY 8; ARRHYTHMOGENIC RIGHT VENTRICULAR DYSPLASIA, FAMILIAL, 8. Identifiers: MedGen C1843896, MONDO:0011831, OMIM 607450.
Arrhythmogenic cardiomyopathy with wooly hair and keratoderma. Also called: Dilated cardiomyopathy with woolly hair and keratoderma; Arrhythmogenic cardiomyopathy with woolly hair and keratoderma; PALMOPLANTAR KERATODERMA WITH LEFT VENTRICULAR CARDIOMYOPATHY AND WOOLLY HAIR; Carvajal syndrome. Identifiers: Orphanet 65282, MedGen C1854063, MONDO:0011581, OMIM 605676.

Allele frequency attached by ClinVar (database versions not stated): TOPMed below 0.00001.

Submissions (2):

Labcorp Genetics (formerly Invitae), Labcorp
Classification: Uncertain significance for Arrhythmogenic cardiomyopathy with wooly hair and keratoderma; Arrhythmogenic right ventricular dysplasia 8. Last evaluated: 2025-12-08. Review status: criteria provided, single submitter. Criteria: Invitae Variant Classification Sherloc (09022015). Collection method: clinical testing. Allele origin: germline.
Comment: This sequence change replaces glycine, which is neutral and non-polar, with aspartic acid, which is acidic and polar, at codon 15 of the DSP protein (p.Gly15Asp). This variant is not present in population databases (gnomAD no frequency). This variant has not been reported in the literature in individuals affected with DSP-related conditions. ClinVar contains an entry for this variant (Variation ID: 864283). An algorithm developed to predict the effect of missense changes on protein structure and function (PolyPhen-2) suggests that this variant is likely to be disruptive. In summary, the available evidence is currently insufficient to determine the role of this variant in disease. Therefore, it has been classified as a Variant of Uncertain Significance.

All of Us Research Program, National Institutes of Health
Classification: Uncertain significance for Arrhythmogenic cardiomyopathy with wooly hair and keratoderma. Last evaluated: 2024-02-05. Review status: criteria provided, single submitter. Criteria: ACMG Guidelines, 2015. Collection method: clinical testing. Allele origin: germline. Inheritance: Autosomal dominant inheritance. Observed: 1 variant allele, 1 heterozygote.
Comment: This missense variant replaces glycine with aspartic acid at codon 15 of the DSP protein. Computational prediction suggests that this variant may not impact protein structure and function (internally defined REVEL score threshold <= 0.5, PMID: 27666373). To our knowledge, functional studies have not been reported for this variant. This variant has not been reported in individuals affected with DSP-related disorders in the literature. This variant has not been identified in the general population by the Genome Aggregation Database (gnomAD). The available evidence is insufficient to determine the role of this variant in disease conclusively. Therefore, this variant is classified as a Variant of Uncertain Significance.

This study involves interpretation of variants in research participants for the purpose of population health screening. Participant phenotype was not available at the time of variant classification. Additional details can be found in publication PMID: 35346344, PMCID: PMC8962531

NM_004415.4(DSP):c.44G>A (p.Gly15Asp)

Genes: DSP (desmoplakin; plus strand), DSP-AS1 (DSP antisense RNA 1; minus strand). Cytogenetic location: 6p24.3.
Variant type: single nucleotide variant.
Coding change: c.44G>A on transcript NM_004415.4 (MANE Select); coding-DNA position 44, G replaced by A.
Protein change: p.Gly15Asp; replaces glycine 15 with aspartic acid.
Molecular consequence: missense variant.
Genome position (GRCh38, 1-based): chr6:7,541,959, G>A. VCF-style: chr6-7541959-G-A. GRCh37 (hg19) VCF-style: chr6-7542192-G-A.
Other names: c.44G>A, p.Gly15Asp (NM_001008844.3, NM_001319034.2); short protein forms G15D.
Identifiers: ClinVar variation 864283 (VCV000864283.11), dbSNP rs1265161836, ClinGen allele CA362675572.